The following is an entry in ClinVar:

ClinVar aggregate classification (germline): Likely benign (1 of 4 stars; one submission).

Conditions:
Birt-Hogg-Dube syndrome 1 (BHD1). Also called: FIBROFOLLICULOMAS WITH TRICHODISCOMAS AND ACROCHORDONS. Identifiers: Orphanet 122, MedGen CN375946, MONDO:0800445, OMIM 135150.

Submission:

Myriad Genetics, Inc.
Classification: Likely benign for Birt-Hogg-Dube syndrome 1. Last evaluated: 2024-10-22. Review status: criteria provided, single submitter. Criteria: Myriad Autosomal Dominant, Autosomal Recessive and X-Linked Classification Criteria (2023). Collection method: clinical testing. Allele origin: unknown.
Comment: This variant is considered likely benign. This variant is intronic and is not expected to impact mRNA splicing.

NM_144997.7(FLCN):c.397-17_397-14delinsTGCT

Gene: FLCN (folliculin; minus strand). Cytogenetic location: 17p11.2.
Variant type: Indel.
Coding change: c.397-17_397-14delinsTGCT on transcript NM_144997.7 (MANE Select); 17 bases into the intron before coding-DNA position 397 through 14 bases into the intron before coding-DNA position 397, CGCC replaced by TGCT.
Molecular consequence: intron variant.
Genome position (GRCh38, 1-based): chr17:17,224,157-17,224,160, GGCG replaced by AGCA on the plus strand (CGCC replaced by TGCT on the coding strand, the reverse complement: FLCN is on the minus strand). VCF-style: chr17-17224157-GGCG-AGCA. GRCh37 (hg19) VCF-style: chr17-17127471-GGCG-AGCA.
Other names: c.397-17_397-14delinsTGCT (NM_001353231.2, NM_001353230.2, NM_144606.7); c.451-17_451-14delinsTGCT (NM_001353229.2).
Identifiers: ClinVar variation 3773052 (VCV003773052.1).
Genomic context (GRCh38, chr17:17,224,157, plus strand): 5'-TGCTGCTCATCTCCGAAGAAGATGGGGCCTTCACGGCCAGGGCAGACCTGGAGGGACACC[GGCG>AGCA]ACTCAGACAGCCCTTTCCTCGCTTAGTGACACCAAATCAAAGCCTCTTCTTCAGACTTTT-3'